The following is an entry in ClinVar:

ClinVar aggregate classification (germline): Likely benign (1 of 4 stars; one submission).

Conditions:
TBX2-related disorder. Also called: TBX2-related condition.

gnomAD v4.1: 1 of 174,272 alleles (0.00057%); highest among the groups gnomAD compares: Non-Finnish European, 0.0011%; no homozygotes.

Submission:

PreventionGenetics, part of Exact Sciences
Classification: Likely benign for TBX2-related condition. Last evaluated: 2026-01-07. Review status: criteria provided, single submitter. Criteria: ACMG Guidelines, 2015. Collection method: clinical testing. Allele origin: germline.
Comment: This variant is classified as likely benign based on ACMG/AMP sequence variant interpretation guidelines (Richards et al. 2015 PMID: 25741868, with internal and published modifications).

NM_005994.4(TBX2):c.-185G>C

Genes: TBX2 (T-box transcription factor 2; plus strand), LOC109280161 (TBX2 promoter region; plus strand). Cytogenetic location: 17q23.2.
Variant type: single nucleotide variant.
Coding change: c.-185G>C on transcript NM_005994.4 (MANE Select); 185 bases upstream of the start codon, G replaced by C.
Molecular consequence: 5 prime UTR variant.
Genome position (GRCh38, 1-based): chr17:61,399,992, G>C. VCF-style: chr17-61399992-G-C. GRCh37 (hg19) VCF-style: chr17-59477353-G-C.
Identifiers: ClinVar variation 4988239 (VCV004988239.1).